The following is an entry in ClinVar:

ClinVar aggregate classification (germline): Uncertain significance. Review status: criteria provided, multiple submitters, no conflicts (2 of 4 stars). 3 submissions from 3 submitters: Uncertain significance (3). Last evaluated 2022-06-20.

Conditions:
Autosomal recessive ataxia, Beauce type. Also called: Spinocerebellar ataxia, autosomal recessive 8; ATAXIA, RECESSIVE, OF BEAUCE; SYNE1 Deficiency; SYNE1-Related Autosomal Recessive Cerebellar Ataxia. Identifiers: Orphanet 88644, MedGen C1853116, MONDO:0012549, OMIM 610743.
Emery-Dreifuss muscular dystrophy 4, autosomal dominant (EDMD4). Also called: EMERY-DREIFUSS MUSCULAR DYSTROPHY 4 WITH VARIABLE FEATURES. Identifiers: Orphanet 261, MedGen C2751807, MONDO:0013071, OMIM 612998.

Allele frequency attached by ClinVar (database versions not stated): TOPMed below 0.00001; gnomAD exomes 0.00001 and 0.00003.
gnomAD v4.1: 40 of 1,613,566 alleles (0.0025%); highest among the groups gnomAD compares: South Asian, 0.0044%; no homozygotes.

Submissions (3):

Labcorp Genetics (formerly Invitae), Labcorp
Classification: Uncertain significance for Emery-Dreifuss muscular dystrophy 4, autosomal dominant; Autosomal recessive ataxia, Beauce type. Last evaluated: 2022-06-20. Review status: criteria provided, single submitter. Criteria: Invitae Variant Classification Sherloc (09022015). Collection method: clinical testing. Allele origin: germline.
Comment: This sequence change replaces lysine, which is basic and polar, with glutamic acid, which is acidic and polar, at codon 8435 of the SYNE1 protein (p.Lys8435Glu). This variant is present in population databases (no rsID available, gnomAD 0.003%). This variant has not been reported in the literature in individuals affected with SYNE1-related conditions. ClinVar contains an entry for this variant (Variation ID: 596815). Algorithms developed to predict the effect of missense changes on protein structure and function are either unavailable or do not agree on the potential impact of this missense change (SIFT: "Deleterious"; PolyPhen-2: "Possibly Damaging"; Align-GVGD: "Class C0"). In summary, the available evidence is currently insufficient to determine the role of this variant in disease. Therefore, it has been classified as a Variant of Uncertain Significance.

GeneDx
Classification: Uncertain significance. Last evaluated: 2022-03-09. Review status: criteria provided, single submitter. Criteria: GeneDx Variant Classification Process June 2021. Collection method: clinical testing. Allele origin: germline. Affected: yes.
Comment: Not observed at significant frequency in large population cohorts (gnomAD); In silico analysis supports that this missense variant has a deleterious effect on protein structure/function; Has not been previously published as pathogenic or benign to our knowledge

Eurofins Ntd Llc (ga)
Classification: Uncertain significance. Last evaluated: 2018-04-13. Review status: criteria provided, single submitter. Criteria: EGL ClinVar v180209 classification definitions. Collection method: clinical testing. Allele origin: germline. Observed: 1 variant allele, 1 heterozygote.

NM_182961.4(SYNE1):c.25447A>G (p.Lys8483Glu)

Gene: SYNE1 (spectrin repeat containing nuclear envelope protein 1; minus strand). Cytogenetic location: 6q25.2.
Variant type: single nucleotide variant.
Coding change: c.25447A>G on transcript NM_182961.4 (MANE Select); coding-DNA position 25447, A replaced by G.
Protein change: p.Lys8483Glu; replaces lysine 8483 with glutamic acid.
Molecular consequence: missense variant.
Genome position (GRCh38, 1-based): chr6:152,139,961, T>C on the plus strand (A>G on the coding strand, the complement: SYNE1 is on the minus strand). VCF-style: chr6-152139961-T-C. GRCh37 (hg19) VCF-style: chr6-152461096-T-C.
Other names: c.2053A>G, p.Lys685Glu (NM_001347701.2); c.1981A>G, p.Lys661Glu (NM_001347702.2); c.25303A>G, p.Lys8435Glu (NM_033071.5); short protein forms K8435E, K8483E, K661E, K685E.
Identifiers: ClinVar variation 596815 (VCV000596815.11), dbSNP rs1253032018, ClinGen allele CA366079957.
Genomic context (GRCh38, chr6:152,139,961, plus strand): 5'-CGCGGTGGCTCTCTGTTTGTCCGCCGTGGGAAAGGCAAGGGGCAGCTACCTTGAGCTTTT[T>C]GATCTGGAGCTCGATGGTCTGGATGTCAGTGCTGAGTTCCAGACGCTGGAGCTGTTCCAA-3'
Protein context (NP_892006.3, residues 8473-8493): TDIQTIELQI[Lys8483Glu]KLKELQKAVD